The following is an entry in ClinVar:

ClinVar aggregate classification (germline): Benign/Likely benign. Review status: criteria provided, single submitter (1 of 4 stars). 3 submissions from 1 submitter: Benign (2); Likely benign (1). Last evaluated 2018-01-13.

Conditions:
Nephronophthisis 11 (NPHP11). Identifiers: Orphanet 84081, MedGen C3150796, MONDO:0013302, OMIM 613550.
Joubert syndrome 6 (JBTS6). Identifiers: Orphanet 475, MedGen C1853153, MONDO:0012539, OMIM 610688.
Meckel syndrome, type 3 (MKS3). Also called: MECKEL-GRUBER SYNDROME, TYPE 3. Identifiers: Orphanet 564, MedGen C1846357, MONDO:0011821, OMIM 607361.

Allele frequency attached by ClinVar (database versions not stated): 1000 Genomes Project 0.00978; gnomAD 0.01019 and 0.01103; 1000 Genomes Project 30x 0.01109; TOPMed 0.01155.

Submissions (3):

Illumina Laboratory Services, Illumina
Classification: Benign for Nephronophthisis 11. Last evaluated: 2018-01-13. Review status: criteria provided, single submitter. Criteria: ICSL Variant Classification Criteria 13 December 2019. Collection method: clinical testing. Allele origin: germline.
Comment: This variant was observed in the ICSL laboratory as part of a predisposition screen in an ostensibly healthy population. It had not been previously curated by ICSL or reported in the Human Gene Mutation Database (HGMD: prior to June 1st, 2018), and was therefore a candidate for classification through an automated scoring system. Utilizing variant allele frequency, disease prevalence and penetrance estimates, and inheritance mode, an automated score was calculated to assess if this variant is too frequent to cause the disease. Based on the score and internal cut-off values, a variant classified as benign is not then subjected to further curation. The score for this variant resulted in a classification of benign for this disease.

Illumina Laboratory Services, Illumina
Classification: Benign for Joubert syndrome 6. Last evaluated: 2018-01-13. Review status: criteria provided, single submitter. Criteria: ICSL Variant Classification Criteria 13 December 2019. Collection method: clinical testing. Allele origin: germline.
Comment: the same text as in the submission from Illumina Laboratory Services, Illumina above.

Illumina Laboratory Services, Illumina
Classification: Likely benign for Meckel syndrome, type 3. Last evaluated: 2018-01-13. Review status: criteria provided, single submitter. Criteria: ICSL Variant Classification Criteria 13 December 2019. Collection method: clinical testing. Allele origin: germline.
Comment: This variant was observed in the ICSL laboratory as part of a predisposition screen in an ostensibly healthy population. It had not been previously curated by ICSL or reported in the Human Gene Mutation Database (HGMD: prior to June 1st, 2018), and was therefore a candidate for classification through an automated scoring system. Utilizing variant allele frequency, disease prevalence and penetrance estimates, and inheritance mode, an automated score was calculated to assess if this variant is too frequent to cause the disease. Based on the score and internal cut-off values, a variant classified as likely benign is not then subjected to further curation. The score for this variant resulted in a classification of likely benign for this disease.

NM_153704.6(TMEM67):c.*852C>T

Gene: TMEM67 (transmembrane protein 67; plus strand). Cytogenetic location: 8q22.1.
Variant type: single nucleotide variant.
Coding change: c.*852C>T on transcript NM_153704.6 (MANE Select); 852 bases downstream of the stop codon, C replaced by T.
Molecular consequence: 3 prime UTR variant.
Genome position (GRCh38, 1-based): chr8:93,817,304, C>T. VCF-style: chr8-93817304-C-T. GRCh37 (hg19) VCF-style: chr8-94829532-C-T.
Other names: c.*852C>T (NM_001142301.1).
Identifiers: ClinVar variation 363933 (VCV000363933.5), dbSNP rs114214029, ClinGen allele CA10628381.
Genomic context (GRCh38, chr8:93,817,304, plus strand): 5'-CAGTAAGGCTGGGCGCTGTGGCTTACGCCTGTAATCCCAGCACTTTGGAAGGCCAAGGCA[C>T]GTGGATCACTTTAGGTCAGGAGTTCAAGAACAGCCTGGCCAACATGGAAAACCCCATCTC-3'